The following is an entry in ClinVar:

ClinVar aggregate classification (germline): Likely benign. Review status: criteria provided, single submitter (1 of 4 stars). 2 submissions from 2 submitters: Likely benign (1). 1 of the submissions does not count toward it. Last evaluated 2025-06-12.

Conditions:
Bardet-Biedl syndrome (BBS). Identifiers: Orphanet 110, MedGen C0752166, MONDO:0015229.
BBS10-related disorder. Also called: BBS10-related condition.

Allele frequency attached by ClinVar (database versions not stated): gnomAD exomes below 0.00001; TOPMed 0.00001.
gnomAD v4.1: 1 of 1,611,018 alleles (0.000062%); highest among the groups gnomAD compares: African/African-American, 0.0013%; no homozygotes.

Submissions (2):

Labcorp Genetics (formerly Invitae), Labcorp
Classification: Likely benign for Bardet-Biedl syndrome. Last evaluated: 2025-06-12. Review status: criteria provided, single submitter. Criteria: Invitae Variant Classification Sherloc (09022015). Collection method: clinical testing. Allele origin: germline.

PreventionGenetics, part of Exact Sciences
Classification: Likely benign for BBS10-related condition. Last evaluated: 2022-08-25. Review status: no assertion criteria provided. Collection method: clinical testing. Allele origin: germline. Not counted in ClinVar's aggregate classification.
Comment: This variant is classified as likely benign based on ACMG/AMP sequence variant interpretation guidelines (Richards et al. 2015 PMID: 25741868, with internal and published modifications).

NM_024685.4(BBS10):c.1812T>C (p.Gly604=)

Gene: BBS10 (Bardet-Biedl syndrome 10; minus strand). Cytogenetic location: 12q21.2.
Variant type: single nucleotide variant.
Coding change: c.1812T>C on transcript NM_024685.4 (MANE Select); coding-DNA position 1812, T replaced by C.
Protein change: p.Gly604=; no amino-acid change (glycine 604 retained).
Molecular consequence: synonymous variant.
Genome position (GRCh38, 1-based): chr12:76,346,173, A>G on the plus strand (T>C on the coding strand, the complement: BBS10 is on the minus strand). VCF-style: chr12-76346173-A-G. GRCh37 (hg19) VCF-style: chr12-76739953-A-G.
Other names: c.1812T>C (NM_024685.3).
Identifiers: ClinVar variation 1979807 (VCV001979807.5), dbSNP rs1029779593, ClinGen allele CA239331608.
Genomic context (GRCh38, chr12:76,346,173, plus strand): 5'-TGATTGATGGCATTTTTTGGCATAATTGAGAAGATAGTAATGTAACAAGATCTCAAAATT[A>G]CCACCTACTGGCAAAACACAACCAGCTGGCATAGATGAGGAAAGGTAACTCTGGGAAGTA-3'
Protein context (NP_078961.3, residues 594-614): MPAGCVLPVG[Gly604=]NFEILLHYYL